The following is an entry in ClinVar:

ClinVar aggregate classification (germline): Likely benign. Review status: criteria provided, multiple submitters, no conflicts (2 of 4 stars). 2 submissions from 2 submitters: Likely benign (2). Last evaluated 2023-12-11.

Allele frequency attached by ClinVar (database versions not stated): gnomAD exomes below 0.00001; TOPMed below 0.00001; gnomAD 0.00001.
gnomAD v4.1: 3 of 1,566,404 alleles (0.00019%); highest among the groups gnomAD compares: East Asian, 0.0047%; no homozygotes.

Submissions (2):

Labcorp Genetics (formerly Invitae), Labcorp
Classification: Likely benign. Last evaluated: 2023-12-11. Review status: criteria provided, single submitter. Criteria: Invitae Variant Classification Sherloc (09022015). Collection method: clinical testing. Allele origin: germline.

Laboratory for Molecular Medicine, Mass General Brigham Personalized Medicine
Classification: Likely benign. Last evaluated: 2017-12-14. Review status: criteria provided, single submitter. Criteria: LMM Criteria. Collection method: clinical testing. Allele origin: germline. Observed: 1 variant allele.
Comment: p.Leu5389Leu variant in exon 75 of ADGRV1: This variant is not expected to have clinical significance because it does not alter an amino acid residue and is not located within the splice consensus sequence. This variant has been identified in 1/15006 European chromosomes by the Genome Aggregation Database (gnomAD). ACMG/AMP criteria applied: PM2, BP7 (Richards 201 5)

NM_032119.4(ADGRV1):c.16165T>C (p.Leu5389=)

Gene: ADGRV1 (adhesion G protein-coupled receptor V1; plus strand). Cytogenetic location: 5q14.3.
Variant type: single nucleotide variant.
Coding change: c.16165T>C on transcript NM_032119.4 (MANE Select); coding-DNA position 16165, T replaced by C.
Protein change: p.Leu5389=; no amino-acid change (leucine 5389 retained).
Molecular consequence: synonymous variant. On other transcripts: non-coding transcript variant (1).
Genome position (GRCh38, 1-based): chr5:90,815,705, T>C. VCF-style: chr5-90815705-T-C. GRCh37 (hg19) VCF-style: chr5-90111522-T-C.
Identifiers: ClinVar variation 517650 (VCV000517650.8), dbSNP rs1451740883, ClinGen allele CA445416959.